The following is an entry in ClinVar:

NM_000522.5(HOXA13):c.867G>A (p.Met289Ile)

Genes: HOXA13 (homeobox A13; minus strand), LOC107126288 (NUP98-HOXA13 recombination region; plus strand). Cytogenetic location: 7p15.2.
Variant type: single nucleotide variant.
Coding change: c.867G>A on transcript NM_000522.5 (MANE Select); coding-DNA position 867, G replaced by A.
Protein change: p.Met289Ile; replaces methionine 289 with isoleucine.
Molecular consequence: missense variant.
Genome position (GRCh38, 1-based): chr7:27,199,211, C>T on the plus strand (G>A on the coding strand, the complement: HOXA13 is on the minus strand). VCF-style: chr7-27199211-C-T. GRCh37 (hg19) VCF-style: chr7-27238830-C-T.
Other names: short protein forms M289I.
Identifiers: ClinVar variation 4804803 (VCV004804803.1).

ClinVar aggregate classification (germline): Uncertain significance (1 of 4 stars; one submission).

Submission:

Labcorp Genetics (formerly Invitae), Labcorp
Classification: Uncertain significance. Last evaluated: 2025-12-23. Review status: criteria provided, single submitter. Criteria: Invitae Variant Classification Sherloc (09022015). Collection method: clinical testing. Allele origin: germline.
Comment: This sequence change replaces methionine, which is neutral and non-polar, with isoleucine, which is neutral and non-polar, at codon 289 of the HOXA13 protein (p.Met289Ile). This variant is not present in population databases (gnomAD no frequency). This variant has not been reported in the literature in individuals affected with HOXA13-related conditions. Invitae Evidence Modeling of protein sequence and biophysical properties (such as structural, functional, and spatial information, amino acid conservation, physicochemical variation, residue mobility, and thermodynamic stability) indicates that this missense variant is not expected to disrupt HOXA13 protein function with a negative predictive value of 80%. In summary, the available evidence is currently insufficient to determine the role of this variant in disease. Therefore, it has been classified as a Variant of Uncertain Significance.